The following is an entry in ClinVar:

NM_000051.4(ATM):c.557T>G (p.Leu186Ter)

Gene: ATM (ATM serine/threonine kinase; plus strand). Cytogenetic location: 11q22.3.
Variant type: single nucleotide variant.
Coding change: c.557T>G on transcript NM_000051.4 (MANE Select); coding-DNA position 557, T replaced by G.
Protein change: p.Leu186Ter; replaces leucine 186 with a stop codon.
Molecular consequence: nonsense.
Genome position (GRCh38, 1-based): chr11:108,244,013, T>G. VCF-style: chr11-108244013-T-G. GRCh37 (hg19) VCF-style: chr11-108114740-T-G.
Other names: c.557T>G, p.Leu186Ter (NM_001351834.2); short protein forms L186*.
Identifiers: ClinVar variation 453586 (VCV000453586.8), dbSNP rs1555066388, ClinGen allele CA382527749.

ClinVar aggregate classification (germline): Pathogenic. Review status: criteria provided, multiple submitters, no conflicts (2 of 4 stars). 2 submissions from 2 submitters: Pathogenic (2). Last evaluated 2025-11-11.

Conditions:
Ataxia-telangiectasia syndrome (AT). Also called: Cerebello-oculocutaneous telangiectasia; Immunodeficiency with ataxia telangiectasia; Ataxia-telangiectasia, complementation group D; AT, COMPLEMENTATION GROUP C; Ataxia-telangiectasia, complementation group E; LOUIS-BAR SYNDROME. Identifiers: Orphanet 100, MedGen C0004135, MONDO:0008840, OMIM 208900.
Familial cancer of breast. Also called: Hereditary breast cancer; hereditary breast carcinoma; BREAST CANCER, FAMILIAL. Identifiers: Orphanet 227535, MedGen C0346153, MONDO:0016419, OMIM 114480. Disease mechanism: loss of function.

Submissions (2):

Myriad Genetics, Inc.
Classification: Pathogenic for Familial cancer of breast. Last evaluated: 2025-11-11. Review status: criteria provided, single submitter. Criteria: Myriad Autosomal Dominant, Autosomal Recessive and X-Linked Classification Criteria (2023). Collection method: clinical testing. Allele origin: unknown.
Comment: This variant is considered pathogenic. This variant creates a termination codon and is predicted to result in premature protein truncation.

Labcorp Genetics (formerly Invitae), Labcorp
Classification: Pathogenic for Ataxia-telangiectasia syndrome. Last evaluated: 2019-09-12. Review status: criteria provided, single submitter. Criteria: Invitae Variant Classification Sherloc (09022015). Collection method: clinical testing. Allele origin: germline.
Comment: For these reasons, this variant has been classified as Pathogenic. Loss-of-function variants in ATM are known to be pathogenic (PMID: 23807571, 25614872). This variant has not been reported in the literature in individuals with ATM-related conditions. ClinVar contains an entry for this variant (Variation ID: 453586). This variant is not present in population databases (ExAC no frequency). This sequence change creates a premature translational stop signal (p.Leu186*) in the ATM gene. It is expected to result in an absent or disrupted protein product.

Literature cited by the submitters: PubMed 23807571 (cited by Labcorp Genetics (formerly Invitae), Labcorp); PubMed 25614872 (cited by Labcorp Genetics (formerly Invitae), Labcorp).